The following is an entry in ClinVar:

ClinVar aggregate classification (germline): Uncertain significance (1 of 4 stars; one submission).

Conditions:
Idiopathic generalized epilepsy. Also called: Generalised epilepsy; EIG. Identifiers: MedGen C0270850, MONDO:0005579, OMIM 600669.

Allele frequency attached by ClinVar (database versions not stated): gnomAD 0.00001; TOPMed 0.00001.

Submission:

Labcorp Genetics (formerly Invitae), Labcorp
Classification: Uncertain significance for Idiopathic generalized epilepsy. Last evaluated: 2022-08-16. Review status: criteria provided, single submitter. Criteria: Invitae Variant Classification Sherloc (09022015). Collection method: clinical testing. Allele origin: germline.
Comment: This variant is not present in population databases (gnomAD no frequency). This sequence change replaces alanine, which is neutral and non-polar, with threonine, which is neutral and polar, at codon 225 of the RBFOX3 protein (p.Ala225Thr). This variant has not been reported in the literature in individuals affected with RBFOX3-related conditions. ClinVar contains an entry for this variant (Variation ID: 652207). Algorithms developed to predict the effect of missense changes on protein structure and function (SIFT, PolyPhen-2, Align-GVGD) all suggest that this variant is likely to be tolerated. In summary, the available evidence is currently insufficient to determine the role of this variant in disease. Therefore, it has been classified as a Variant of Uncertain Significance.

NM_001350451.2(RBFOX3):c.673G>A (p.Ala225Thr)

Gene: RBFOX3 (RNA binding fox-1 homolog 3; minus strand). Cytogenetic location: 17q25.3.
Variant type: single nucleotide variant.
Coding change: c.673G>A on transcript NM_001350451.2 (MANE Select); coding-DNA position 673, G replaced by A.
Protein change: p.Ala225Thr; replaces alanine 225 with threonine.
Molecular consequence: missense variant.
Genome position (GRCh38, 1-based): chr17:79,097,374, C>T on the plus strand (G>A on the coding strand, the complement: RBFOX3 is on the minus strand). VCF-style: chr17-79097374-C-T. GRCh37 (hg19) VCF-style: chr17-77093456-C-T.
Other names: c.673G>A, p.Ala225Thr (NM_001082575.3, NM_001350453.2, NM_001385804.1 and 33 more transcripts); c.670G>A, p.Ala224Thr (NM_001385806.1, NM_001385822.1, NM_001385823.1 and 4 more transcripts); c.580G>A, p.Ala194Thr (NM_001385824.1); c.694G>A, p.Ala232Thr (NM_001385827.1); c.526G>A, p.Ala176Thr (NM_001385847.1); short protein forms A225T, A176T, A194T, A224T, A232T.
Identifiers: ClinVar variation 652207 (VCV000652207.10), dbSNP rs1479403018, ClinGen allele CA401316514.
Genomic context (GRCh38, chr17:79,097,374, plus strand): 5'-GTGGGGGTGGCGCAGCCCGAAATGTATTATACACGGCCCGGCCCCGGCCCCGAAGATGTG[C>T]GCCCCGGTAGGCAACGGCTGTGCCGGTGGTGGGGTAGGGGAACCCCGTCACTGCAGGAAA-3'
Protein context (NP_001337380.1, residues 215-235): TTGTAVAYRG[Ala225Thr]HLRGRGRAVY